The following is an entry in ClinVar:

NM_015386.3(COG4):c.379T>C (p.Tyr127His)

Gene: COG4 (component of oligomeric golgi complex 4; minus strand). Cytogenetic location: 16q22.1.
Variant type: single nucleotide variant.
Coding change: c.379T>C on transcript NM_015386.3 (MANE Select); coding-DNA position 379, T replaced by C.
Protein change: p.Tyr127His; replaces tyrosine 127 with histidine.
Molecular consequence: missense variant. On other transcripts: 5 prime UTR variant (1), non-coding transcript variant (1).
Genome position (GRCh38, 1-based): chr16:70,514,500, A>G on the plus strand (T>C on the coding strand, the complement: COG4 is on the minus strand). VCF-style: chr16-70514500-A-G. GRCh37 (hg19) VCF-style: chr16-70548403-A-G.
Other names: c.367T>C, p.Tyr123His (NM_001195139.2); c.-48T>C (NM_001365426.1); short protein forms Y123H, Y127H.
Identifiers: ClinVar variation 1484335 (VCV001484335.8), dbSNP rs1276662286, ClinGen allele CA396578497.

ClinVar aggregate classification (germline): Uncertain significance (1 of 4 stars; one submission).

Conditions:
COG4-congenital disorder of glycosylation. Also called: COG4-CDG; CONGENITAL DISORDER OF GLYCOSYLATION, TYPE IIj; CDG IIj. Identifiers: Orphanet 263501, MedGen C4303552, MONDO:0013281, OMIM 613489.

Allele frequency attached by ClinVar (database versions not stated): gnomAD exomes below 0.00001.
gnomAD v4.1: 2 of 1,614,030 alleles (0.00012%); highest among the groups gnomAD compares: South Asian, 0.0011%; no homozygotes.

Submission:

Labcorp Genetics (formerly Invitae), Labcorp
Classification: Uncertain significance for COG4-congenital disorder of glycosylation. Last evaluated: 2022-01-15. Review status: criteria provided, single submitter. Criteria: Invitae Variant Classification Sherloc (09022015). Collection method: clinical testing. Allele origin: germline.
Comment: This sequence change replaces tyrosine, which is neutral and polar, with histidine, which is basic and polar, at codon 127 of the COG4 protein (p.Tyr127His). In summary, the available evidence is currently insufficient to determine the role of this variant in disease. Therefore, it has been classified as a Variant of Uncertain Significance. Algorithms developed to predict the effect of missense changes on protein structure and function are either unavailable or do not agree on the potential impact of this missense change (SIFT: "Tolerated"; PolyPhen-2: "Possibly Damaging"; Align-GVGD: "Class C0"). This variant has not been reported in the literature in individuals affected with COG4-related conditions. This variant is present in population databases (no rsID available, gnomAD no frequency).